The following is an entry in ClinVar:

NM_001126108.2(SLC12A3):c.1218_1219del (p.Asn406fs)

Gene: SLC12A3 (solute carrier family 12 member 3; plus strand). Cytogenetic location: 16q13.
Variant type: Deletion.
Coding change: c.1218_1219del on transcript NM_001126108.2 (MANE Select); coding-DNA positions 1218 to 1219, 2 bases deleted (TG; older notation c.1218_1219delTG).
Protein change: p.Asn406fs; shifts the reading frame from asparagine 406.
Molecular consequence: frameshift variant.
Genome position (GRCh38, 1-based): chr16:56,879,110-56,879,111, TG deleted. VCF-style (leftmost placement, unchanged base first): chr16-56879109-ATG-A. GRCh37 (hg19) VCF-style: chr16-56913021-ATG-A.
Other names: c.1218_1219del, p.Asn406fs (NM_000339.3); c.1215_1216del, p.Asn405fs (NM_001126107.2, NM_001410896.1); short protein forms N405fs, N406fs.
Identifiers: ClinVar variation 2772965 (VCV002772965.3), dbSNP rs2543502957, ClinGen allele CA2697555857.

ClinVar aggregate classification (germline): Pathogenic (1 of 4 stars; one submission).

Submission:

Labcorp Genetics (formerly Invitae), Labcorp
Classification: Pathogenic. Last evaluated: 2023-10-30. Review status: criteria provided, single submitter. Criteria: Invitae Variant Classification Sherloc (09022015). Collection method: clinical testing. Allele origin: germline.
Comment: This sequence change creates a premature translational stop signal (p.Asn406Lysfs*118) in the SLC12A3 gene. It is expected to result in an absent or disrupted protein product. Loss-of-function variants in SLC12A3 are known to be pathogenic (PMID: 20848653, 22009145, 25841442). This variant is not present in population databases (gnomAD no frequency). This premature translational stop signal has been observed in individual(s) with clinical features consistent with Gitelman syndrome (Invitae). For these reasons, this variant has been classified as Pathogenic.

Literature cited by the submitters: PubMed 20848653; PubMed 22009145; PubMed 25841442.